The following is an entry in ClinVar:

NM_182914.3(SYNE2):c.4110G>A (p.Met1370Ile)

Gene: SYNE2 (spectrin repeat containing nuclear envelope protein 2; plus strand). Cytogenetic location: 14q23.2.
Variant type: single nucleotide variant.
Coding change: c.4110G>A on transcript NM_182914.3 (MANE Select); coding-DNA position 4110, G replaced by A.
Protein change: p.Met1370Ile; replaces methionine 1370 with isoleucine.
Molecular consequence: missense variant.
Genome position (GRCh38, 1-based): chr14:64,003,043, G>A. VCF-style: chr14-64003043-G-A. GRCh37 (hg19) VCF-style: chr14-64469761-G-A.
Other names: c.4110G>A, p.Met1370Ile (NM_015180.6); short protein forms M1370I.
Identifiers: ClinVar variation 3628299 (VCV003628299.2).
Genomic context (GRCh38, chr14:64,003,043, plus strand): 5'-ACAGGTGGCACAAGAAAATACGTTGACAGTAAAAAATAAAGAGGGAGAAATTCATCTGAT[G>A]AAAGACAAGGCCAAACATTTGGATAAATGTTTGAAGATGCTCGATATGAGCTTTAAAGAT-3'
Protein context (NP_878918.2, residues 1360-1380): VKNKEGEIHL[Met1370Ile]KDKAKHLDKC

ClinVar aggregate classification (germline): Uncertain significance (1 of 4 stars; one submission).

Conditions:
Emery-Dreifuss muscular dystrophy 5, autosomal dominant (EDMD5). Also called: EMERY-DREIFUSS MUSCULAR DYSTROPHY 5. Identifiers: Orphanet 261, MedGen C2751805, MONDO:0013072, OMIM 612999.

Submission:

Labcorp Genetics (formerly Invitae), Labcorp
Classification: Uncertain significance for Emery-Dreifuss muscular dystrophy 5, autosomal dominant. Last evaluated: 2024-12-24. Review status: criteria provided, single submitter. Criteria: Invitae Variant Classification Sherloc (09022015). Collection method: clinical testing. Allele origin: germline.
Comment: This sequence change replaces methionine, which is neutral and non-polar, with isoleucine, which is neutral and non-polar, at codon 1370 of the SYNE2 protein (p.Met1370Ile). This variant is present in population databases (rs767115885, gnomAD 0.003%). This variant has not been reported in the literature in individuals affected with SYNE2-related conditions. An algorithm developed to predict the effect of missense changes on protein structure and function (PolyPhen-2) suggests that this variant is likely to be tolerated. In summary, the available evidence is currently insufficient to determine the role of this variant in disease. Therefore, it has been classified as a Variant of Uncertain Significance.